The following is an entry in ClinVar:

NM_014314.4(RIGI):c.865C>T (p.Gln289Ter)

Gene: RIGI (RNA sensor RIG-I; minus strand). Cytogenetic location: 9p21.1.
Variant type: single nucleotide variant.
Coding change: c.865C>T on transcript NM_014314.4 (MANE Select); coding-DNA position 865, C replaced by T.
Protein change: p.Gln289Ter; replaces glutamine 289 with a stop codon.
Molecular consequence: nonsense.
Genome position (GRCh38, 1-based): chr9:32,488,822, G>A on the plus strand (C>T on the coding strand, the complement: RIGI is on the minus strand). VCF-style: chr9-32488822-G-A. GRCh37 (hg19) VCF-style: chr9-32488820-G-A.
Other names: c.865C>T, p.Gln289Ter (NM_001385907.1, NM_001385909.1); c.424C>T, p.Gln142Ter (NM_001385910.1); c.256C>T, p.Gln86Ter (NM_001385912.1); c.850C>T, p.Gln284Ter (NM_001385913.1); c.421C>T, p.Gln141Ter (NM_001385914.1); short protein forms Q141*, Q284*, Q142*, Q289*, Q86*.
Identifiers: ClinVar variation 1407345 (VCV001407345.6), dbSNP rs1416225839, ClinGen allele CA373158507.

ClinVar aggregate classification (germline): Uncertain significance (1 of 4 stars; one submission).

Allele frequency attached by ClinVar (database versions not stated): gnomAD exomes below 0.00001; gnomAD 0.00002; TOPMed 0.00003.
gnomAD v4.1: 6 of 1,612,892 alleles (0.00037%); highest among the groups gnomAD compares: Middle Eastern, 0.016%; no homozygotes.

Submission:

Labcorp Genetics (formerly Invitae), Labcorp
Classification: Uncertain significance. Last evaluated: 2023-11-10. Review status: criteria provided, single submitter. Criteria: Invitae Variant Classification Sherloc (09022015). Collection method: clinical testing. Allele origin: germline.
Comment: This sequence change creates a premature translational stop signal (p.Gln289*) in the DDX58 gene. It is expected to result in an absent or disrupted protein product. However, the current clinical and genetic evidence is not sufficient to establish whether loss-of-function variants in DDX58 cause disease. This variant is present in population databases (no rsID available, gnomAD 0.007%). This variant has not been reported in the literature in individuals affected with DDX58-related conditions. ClinVar contains an entry for this variant (Variation ID: 1407345). In summary, the available evidence is currently insufficient to determine the role of this variant in disease. Therefore, it has been classified as a Variant of Uncertain Significance.